The following is an entry in ClinVar:

ClinVar aggregate classification (germline): Pathogenic/Likely pathogenic. Review status: criteria provided, multiple submitters, no conflicts (2 of 4 stars). 2 submissions from 2 submitters: Pathogenic (1); Likely pathogenic (1). Last evaluated 2025-10-22.

Conditions:
Pulmonary hypertension, primary, 2. Identifiers: Orphanet 422, MedGen C3888002, MONDO:0014134, OMIM 615342.

Submissions (2):

Variantyx, Inc.
Classification: Likely pathogenic for Pulmonary hypertension, primary, 2. Last evaluated: 2025-10-22. Review status: criteria provided, single submitter. Criteria: Variantyx Assertion Criteria 2022. Collection method: clinical testing. Allele origin: germline. Inheritance: Autosomal dominant inheritance. Affected: yes.
Comment: This is a frameshift variant in the SMAD9 gene (OMIM: 603295). Pathogenic variants in this gene have been associated with autosomal dominant primary pulmonary hypertension, 2. This variant introduces a premature termination codon in exon 5 out of 7 and is expected to result in loss of function, which is a known disease mechanism for SMAD9 in this disorder (PMID: 19419974, 31727138) (PVS1). This variant is absent from control populations (PM2). Based on the current evidence, this variant is classified as likely pathogenic for autosomal dominant primary pulmonary hypertension, 2.Inheritance from an unaffected parent or a parent with unknown affected status has been reported, consistent with incomplete penetrance (PMID:19211612).

Labcorp Genetics (formerly Invitae), Labcorp
Classification: Pathogenic for Pulmonary hypertension, primary, 2. Last evaluated: 2024-07-30. Review status: criteria provided, single submitter. Criteria: Invitae Variant Classification Sherloc (09022015). Collection method: clinical testing. Allele origin: germline.
Comment: This sequence change creates a premature translational stop signal (p.Gln271Argfs*11) in the SMAD9 gene. It is expected to result in an absent or disrupted protein product. Loss-of-function variants in SMAD9 are known to be pathogenic (PMID: 19419974, 31727138). This variant is not present in population databases (gnomAD no frequency). This variant has not been reported in the literature in individuals affected with SMAD9-related conditions. For these reasons, this variant has been classified as Pathogenic.

Literature cited by the submitters: PubMed 19419974 (cited by Variantyx, Inc. and Labcorp Genetics (formerly Invitae), Labcorp); PubMed 31727138 (cited by Variantyx, Inc. and Labcorp Genetics (formerly Invitae), Labcorp).

NM_001127217.3(SMAD9):c.812del (p.Gln271fs)

Gene: SMAD9 (SMAD family member 9; minus strand). Cytogenetic location: 13q13.3.
Variant type: Deletion.
Coding change: c.812del on transcript NM_001127217.3 (MANE Select); coding-DNA position 812, one base deleted (A; older notation c.812delA).
Protein change: p.Gln271fs; shifts the reading frame from glutamine 271.
Molecular consequence: frameshift variant.
Genome position (GRCh38, 1-based): chr13:36,865,728, T deleted on the plus strand (A on the coding strand, the reverse complement: SMAD9 is on the minus strand). VCF-style (leftmost placement, unchanged base first): chr13-36865727-CT-C. GRCh37 (hg19) VCF-style: chr13-37439864-CT-C.
Other names: c.701del, p.Gln234fs (NM_001378621.1, NM_005905.6); short protein forms Q271fs, Q234fs.
Identifiers: ClinVar variation 3690588 (VCV003690588.3).
Genomic context (GRCh38, chr13:36,865,727, plus strand): 5'-AGCCTGGAATGTCTCCCCAACTCGGTTGTTCAGTTCATAGTAGGCGACCGAGCACCAGTG[CT>C]GGGGCTCCTCGTAACAAACTGGTCGAAAGTCTGGAAGAAAACAAACCAGAGAACACATGG-3'